The following is an entry in ClinVar:

NM_001267550.2(TTN):c.6835C>T (p.Pro2279Ser)

Genes: TTN (titin; minus strand), LOC126806433 (BRD4-independent group 4 enhancer GRCh37_chr2:179638309-179639508; plus strand). Cytogenetic location: 2q31.2.
Variant type: single nucleotide variant.
Coding change: c.6835C>T on transcript NM_001267550.2 (MANE Select); coding-DNA position 6835, C replaced by T.
Protein change: p.Pro2279Ser; replaces proline 2279 with serine.
Molecular consequence: missense variant.
Genome position (GRCh38, 1-based): chr2:178,774,429, G>A on the plus strand (C>T on the coding strand, the complement: TTN is on the minus strand). VCF-style: chr2-178774429-G-A. GRCh37 (hg19) VCF-style: chr2-179639156-G-A.
Other names: c.6697C>T, p.Pro2233Ser (NM_003319.4, NM_133432.3, NM_133437.4); c.6835C>T, p.Pro2279Ser (NM_001256850.1, NM_133378.4, NM_133379.5); short protein forms P2233S, P2279S.
Identifiers: ClinVar variation 519093 (VCV000519093.5), dbSNP rs143679901, ClinGen allele CA349681752.
Genomic context (GRCh38, chr2:178,774,429, plus strand): 5'-ATTTTCCTTCTATATTTTCTGGGGATACAATGCACTCTAATTCTCCTGAATATGATTCTG[G>A]AACTTCTATGTCCTGAAGTTCTTTCACAAACTCAACAACTGCACCTGAAGTGTATAACAG-3'
Protein context (NP_001254479.2, residues 2269-2289): FVKELQDIEV[Pro2279Ser]ESYSGELECI

ClinVar aggregate classification (germline): Uncertain significance (1 of 4 stars; one submission).

Conditions:
Cardiovascular phenotype. Identifiers: MedGen CN230736.

Submission:

Ambry Genetics
Classification: Uncertain significance for Cardiovascular phenotype. Last evaluated: 2016-04-21. Review status: criteria provided, single submitter. Criteria: Ambry Variant Classification Scheme 2023. Collection method: clinical testing. Allele origin: germline.
Comment: The p.P2233S variant (also known as c.6697C>T), located in coding exon 28 of the TTN gene, results from a C to T substitution at nucleotide position 6697. The proline at codon 2233 is replaced by serine, an amino acid with similar properties, and is located in the I-band region of the titin protein. This variant was not reported in population based cohorts in the following databases: Database of Single Nucleotide Polymorphisms (dbSNP), NHLBI Exome Sequencing Project (ESP), and 1000 Genomes Project. In the ESP, this variant was not observed in 6503 samples (13006 alleles) with coverage at this position. This amino acid position is highly conserved in available vertebrate species. In addition, this alteration is predicted to be tolerated by in silico analysis. Based on available evidence to date, the clinical significance of this variant remains unclear.